The following is an entry in ClinVar:

NM_000428.3(LTBP2):c.663C>A (p.Val221=)

Gene: LTBP2 (latent transforming growth factor beta binding protein 2; minus strand). Cytogenetic location: 14q24.3.
Variant type: single nucleotide variant.
Coding change: c.663C>A on transcript NM_000428.3 (MANE Select); coding-DNA position 663, C replaced by A.
Protein change: p.Val221=; no amino-acid change (valine 221 retained).
Molecular consequence: synonymous variant.
Genome position (GRCh38, 1-based): chr14:74,586,021, G>T on the plus strand (C>A on the coding strand, the complement: LTBP2 is on the minus strand). VCF-style: chr14-74586021-G-T. GRCh37 (hg19) VCF-style: chr14-75052724-G-T.
Other names: c.663C>A (NM_000428.2).
Identifiers: ClinVar variation 1627763 (VCV001627763.9), dbSNP rs553629191, ClinGen allele CA7270118.

ClinVar aggregate classification (germline): Likely benign. Review status: criteria provided, multiple submitters, no conflicts (2 of 4 stars). 2 submissions from 2 submitters: Likely benign (2). Last evaluated 2025-11-10.

Conditions:
LTBP2-related disorder. Also called: LTBP2-related disorders; LTBP2-related condition.

Allele frequency attached by ClinVar (database versions not stated): gnomAD exomes 0.00001; ExAC 0.00003; 1000 Genomes Project 0.00020; 1000 Genomes Project 30x 0.00031.
gnomAD v4.1: 8 of 1,606,850 alleles (0.0005%); highest among the groups gnomAD compares: Admixed American, 0.01%; no homozygotes.

Submissions (2):

PreventionGenetics, part of Exact Sciences
Classification: Likely benign for LTBP2-related condition. Last evaluated: 2025-11-10. Review status: criteria provided, single submitter. Criteria: ACMG Guidelines, 2015. Collection method: clinical testing. Allele origin: germline.
Comment: This variant is classified as likely benign based on ACMG/AMP sequence variant interpretation guidelines (Richards et al. 2015 PMID: 25741868, with internal and published modifications).

Labcorp Genetics (formerly Invitae), Labcorp
Classification: Likely benign. Last evaluated: 2025-08-18. Review status: criteria provided, single submitter. Criteria: Invitae Variant Classification Sherloc (09022015). Collection method: clinical testing. Allele origin: germline.